The following is an entry in ClinVar:

NM_138694.4(PKHD1):c.976+2T>A

Gene: PKHD1 (PKHD1 ciliary IPT domain containing fibrocystin/polyductin; minus strand). Cytogenetic location: 6p12.2.
Variant type: single nucleotide variant.
Coding change: c.976+2T>A on transcript NM_138694.4 (MANE Select); the canonical splice donor site of the intron after coding-DNA position 976, T replaced by A.
Molecular consequence: splice donor variant.
Genome position (GRCh38, 1-based): chr6:52,064,953, A>T on the plus strand (T>A on the coding strand, the complement: PKHD1 is on the minus strand). VCF-style: chr6-52064953-A-T. GRCh37 (hg19) VCF-style: chr6-51929751-A-T.
Other names: c.976+2T>A (NM_170724.3, NM_138694.3).
Identifiers: ClinVar variation 3594025 (VCV003594025.2).

ClinVar aggregate classification (germline): Likely pathogenic. Review status: criteria provided, multiple submitters, no conflicts (2 of 4 stars). 2 submissions from 2 submitters: Likely pathogenic (2). Last evaluated 2024-08-15.

Conditions:
Polycystic kidney disease 4 (PKD4). Also called: Autosomal Recessive Polycystic Kidney Disease – PKHD1; PKD3; POLYCYSTIC KIDNEY AND HEPATIC DISEASE 1; POLYCYSTIC KIDNEY DISEASE, INFANTILE, TYPE I; POLYCYSTIC KIDNEY DISEASE 4 WITH OR WITHOUT POLYCYSTIC LIVER DISEASE. Identifiers: MedGen C4540575, MONDO:0033004, OMIM 263200.
Autosomal recessive polycystic kidney disease (ARPKD). Also called: AR polycystic kidney disease. Identifiers: Orphanet 731, Orphanet 8378, MedGen C0085548, MeSH D017044, MONDO:0009889.

gnomAD v4.1: 3 of 1,576,310 alleles (0.00019%); highest among the groups gnomAD compares: Non-Finnish European, 0.00026%; no homozygotes.

Submissions (2):

Natera, Inc.
Classification: Likely pathogenic for Autosomal recessive polycystic kidney disease. Last evaluated: 2024-08-15. Review status: criteria provided, single submitter. Criteria: Natera Variant Classification Schema (03/2026). Collection method: clinical testing. Allele origin: germline.
Comment: The c.976+2T>A variant in PKHD1 is a canonical splice donor site variant predicted to affect pre-mRNA splicing, which may result in an abnormal transcript and altered protein product. This variant is expected to result in nonsense mediated decay, truncation, or a dysfunctional protein product. This variant is rare in the general population with a frequency below the threshold expected for the associated phenotype(s). This variant has been observed in one or more individuals affected with the associated recessive disease, as either homozygous or compound heterozygous with a second variant (PMID: 15805161). Given the available evidence, this variant is classified as Likely Pathogenic.

Fulgent Genetics
Classification: Likely pathogenic for Polycystic kidney disease 4. Last evaluated: 2024-06-22. Review status: criteria provided, single submitter. Criteria: ACMG Guidelines, 2015. Collection method: clinical testing. Allele origin: germline.

Literature cited by the submitters: PubMed 15805161 (cited by Natera, Inc.).